The following is an entry in ClinVar:

NM_001283009.2(RTEL1):c.3301G>T (p.Ala1101Ser)

Genes: RTEL1 (regulator of telomere elongation helicase 1; plus strand), RTEL1-TNFRSF6B (RTEL1-TNFRSF6B readthrough (NMD candidate); plus strand). Cytogenetic location: 20q13.33.
Variant type: single nucleotide variant.
Coding change: c.3301G>T on transcript NM_001283009.2 (MANE Select); coding-DNA position 3301, G replaced by T.
Protein change: p.Ala1101Ser; replaces alanine 1101 with serine.
Molecular consequence: missense variant. On other transcripts: non-coding transcript variant (1).
Genome position (GRCh38, 1-based): chr20:63,694,932, G>T. VCF-style: chr20-63694932-G-T. GRCh37 (hg19) VCF-style: chr20-62326285-G-T.
Other names: c.2632G>T, p.Ala878Ser (NM_001283010.1); c.3301G>T, p.Ala1101Ser (NM_016434.4); c.3373G>T, p.Ala1125Ser (NM_032957.5); short protein forms A1101S, A1125S, A878S.
Identifiers: ClinVar variation 4157593 (VCV004157593.1).

ClinVar aggregate classification (germline): Uncertain significance (1 of 4 stars; one submission).

Conditions:
Inborn genetic diseases. Identifiers: MedGen C0950123, MeSH D030342.

Submission:

Ambry Genetics
Classification: Uncertain significance for Inborn genetic diseases. Last evaluated: 2025-07-10. Review status: criteria provided, single submitter. Criteria: Ambry Variant Classification Scheme 2023. Collection method: clinical testing. Allele origin: germline.
Comment: The p.A1101S variant (also known as c.3301G>T), located in coding exon 31 of the RTEL1 gene, results from a G to T substitution at nucleotide position 3301. The alanine at codon 1101 is replaced by serine, an amino acid with similar properties. This amino acid position is conserved. In addition, the in silico prediction for this alteration is inconclusive. Based on the available evidence, the clinical significance of this variant remains unclear.